The following is an entry in ClinVar:

ClinVar aggregate classification (germline): Uncertain significance. Review status: criteria provided, multiple submitters, no conflicts (2 of 4 stars). 2 submissions from 2 submitters: Uncertain significance (2). Last evaluated 2026-01-29.

Submissions (2):

Labcorp Genetics (formerly Invitae), Labcorp
Classification: Uncertain significance. Last evaluated: 2026-01-29. Review status: criteria provided, single submitter. Criteria: Invitae Variant Classification Sherloc (09022015). Collection method: clinical testing. Allele origin: germline.
Comment: This sequence change replaces glutamic acid, which is acidic and polar, with alanine, which is neutral and non-polar, at codon 1225 of the MTOR protein (p.Glu1225Ala). This variant is not present in population databases (gnomAD no frequency). This variant has not been reported in the literature in individuals affected with MTOR-related conditions. Invitae Evidence Modeling of protein sequence and biophysical properties (such as structural, functional, and spatial information, amino acid conservation, physicochemical variation, residue mobility, and thermodynamic stability) indicates that this missense variant is not expected to disrupt MTOR protein function with a negative predictive value of 95%. In summary, the available evidence is currently insufficient to determine the role of this variant in disease. Therefore, it has been classified as a Variant of Uncertain Significance.

GeneDx
Classification: Uncertain significance. Last evaluated: 2025-06-24. Review status: criteria provided, single submitter. Criteria: GeneDx Variant Classification Process June 2021. Collection method: clinical testing. Allele origin: germline. Affected: yes.
Comment: Not observed at significant frequency in large population cohorts (gnomAD); In silico analysis suggests that this missense variant does not alter protein structure/function; Has not been previously published as pathogenic or benign to our knowledge

NM_004958.4(MTOR):c.3674A>C (p.Glu1225Ala)

Gene: MTOR (mechanistic target of rapamycin kinase; minus strand). Cytogenetic location: 1p36.22.
Variant type: single nucleotide variant.
Coding change: c.3674A>C on transcript NM_004958.4 (MANE Select); coding-DNA position 3674, A replaced by C.
Protein change: p.Glu1225Ala; replaces glutamic acid 1225 with alanine.
Molecular consequence: missense variant.
Genome position (GRCh38, 1-based): chr1:11,209,439, T>G on the plus strand (A>C on the coding strand, the complement: MTOR is on the minus strand). VCF-style: chr1-11209439-T-G. GRCh37 (hg19) VCF-style: chr1-11269496-T-G.
Other names: c.3674A>C, p.Glu1225Ala (NM_001386500.1); c.2426A>C, p.Glu809Ala (NM_001386501.1); short protein forms E1225A, E809A.
Identifiers: ClinVar variation 4540349 (VCV004540349.2).
Genomic context (GRCh38, chr1:11,209,439, plus strand): 5'-AATGCATCCCCTTGGCCACTCCTAAGCATCCGATGCTGGTAAATCAAAGGATCCTCCTCT[T>G]CATCAGCAAGTGTGTATCCCTACAACCAAAGATTTATAGGAAACACCTATAACTCTACTA-3'
Protein context (NP_004949.1, residues 1215-1235): RIVKGYTLAD[Glu1225Ala]EEDPLIYQHR